The following is an entry in ClinVar:

NM_001368894.2(PAX6):c.11-813G>A

Gene: PAX6 (paired box 6; minus strand). Cytogenetic location: 11p13.
Variant type: single nucleotide variant.
Coding change: c.11-813G>A on transcript NM_001368894.2 (MANE Select); 813 bases into the intron before coding-DNA position 11, G replaced by A.
Molecular consequence: intron variant. On other transcripts: 5 prime UTR variant (8), missense variant (1).
Genome position (GRCh38, 1-based): chr11:31,803,647, C>T on the plus strand (G>A on the coding strand, the complement: PAX6 is on the minus strand). VCF-style: chr11-31803647-C-T. GRCh37 (hg19) VCF-style: chr11-31825195-C-T.
Other names: c.-1584G>A (NM_001310160.2); c.-648G>A (NM_001368899.2); c.-690G>A (NM_001368900.2); c.-1542G>A (NM_001368902.2); c.-1253G>A (NM_001368903.2, NM_001368929.2); c.-462G>A (NM_001368906.2); c.-1211G>A (NM_001368907.2); c.190G>A, p.Gly64Ser (NM_001368910.2); and 7 more; short protein forms G64S.
Identifiers: ClinVar variation 4814059 (VCV004814059.1).

ClinVar aggregate classification (germline): Likely benign (1 of 4 stars; one submission).

Conditions:
Aniridia 1 (AN1). Identifiers: Orphanet 250923, MedGen C0344542, MONDO:0024507, OMIM 106210.

Submission:

Centre for Medical Genetics,  Mumbai
Classification: Likely benign for Aniridia 1. Last evaluated: 2026-03-04. Review status: criteria provided, single submitter. Criteria: ACMG Guidelines, 2015. Collection method: provider interpretation. Allele origin: germline. Inheritance: Autosomal dominant inheritance. Affected: no. Observed: 1 variant allele, 1 heterozygote.
Comment: The variant satisfies PM2 criteria; Extremely low frequency in gnomAD population databases. The variant satisfies PP2 criteria; Missense variant in a gene with low rate of benign missense mutations and for which missense mutation is a common mechanism of a disease. The variant satisfies BP4 criteria; For a missense or a splice region variant, computational prediction tools unanimously support a benign effect on the gene. However, the variant satisfies BS2 criteria.

Literature cited by the submitters: PubMed 1302030.